The following is an entry in ClinVar:

ClinVar aggregate classification (germline): Uncertain significance (1 of 4 stars; one submission).

Submission:

Labcorp Genetics (formerly Invitae), Labcorp
Classification: Uncertain significance. Last evaluated: 2021-09-15. Review status: criteria provided, single submitter. Criteria: Invitae Variant Classification Sherloc (09022015). Collection method: clinical testing. Allele origin: germline.
Comment: This variant, c.27_28insCTGCTGCGT, results in the insertion of 3 amino acid(s) to the PPA2 protein (p.Leu7_Arg9dup), but otherwise preserves the integrity of the reading frame. This variant is not present in population databases (ExAC no frequency). This variant has not been reported in the literature in individuals affected with PPA2-related conditions. Algorithms developed to predict the effect of sequence changes on RNA splicing suggest that this variant may create or strengthen a splice site. In summary, the available evidence is currently insufficient to determine the role of this variant in disease. Therefore, it has been classified as a Variant of Uncertain Significance.

NM_176869.3(PPA2):c.27_28insCTGCTGCGT (p.4LLR[3])

Gene: PPA2 (inorganic pyrophosphatase 2; minus strand). Cytogenetic location: 4q24.
Variant type: Insertion.
Coding change: c.27_28insCTGCTGCGT on transcript NM_176869.3 (MANE Select); coding-DNA positions 27 to 28, CTGCTGCGT inserted.
Protein change: p.4LLR[3].
Molecular consequence: inframe insertion.
Genome position: GRCh38 VCF-style: chr4-105474023-T-TACGCAGCAG. GRCh37 (hg19) VCF-style: chr4-106395180-T-TACGCAGCAG.
Other names: c.27_28insCTGCTGCGT, p.4LLR[3] (NM_006903.4, NM_176866.2, NM_176867.3).
Identifiers: ClinVar variation 1346454 (VCV001346454.3), dbSNP rs761092264, ClinGen allele CA1482800332.